The following is an entry in ClinVar:

NM_133459.4(CCBE1):c.118G>C (p.Glu40Gln)

Gene: CCBE1 (collagen and calcium binding EGF domains 1; minus strand). Cytogenetic location: 18q21.32.
Variant type: single nucleotide variant.
Coding change: c.118G>C on transcript NM_133459.4 (MANE Select); coding-DNA position 118, G replaced by C.
Protein change: p.Glu40Gln; replaces glutamic acid 40 with glutamine.
Molecular consequence: missense variant.
Genome position (GRCh38, 1-based): chr18:59,697,225, C>G on the plus strand (G>C on the coding strand, the complement: CCBE1 is on the minus strand). VCF-style: chr18-59697225-C-G. GRCh37 (hg19) VCF-style: chr18-57364457-C-G.
Other names: short protein forms E40Q.
Identifiers: ClinVar variation 2009307 (VCV002009307.2), dbSNP rs1258286870, ClinGen allele CA402717400.

ClinVar aggregate classification (germline): Uncertain significance (1 of 4 stars; one submission).

gnomAD v4.1: 2 of 1,548,952 alleles (0.00013%); highest among the groups gnomAD compares: Non-Finnish European, 0.000087%; no homozygotes.

Submission:

Labcorp Genetics (formerly Invitae), Labcorp
Classification: Uncertain significance. Last evaluated: 2022-08-21. Review status: criteria provided, single submitter. Criteria: Invitae Variant Classification Sherloc (09022015). Collection method: clinical testing. Allele origin: germline.
Comment: In summary, the available evidence is currently insufficient to determine the role of this variant in disease. Therefore, it has been classified as a Variant of Uncertain Significance. Algorithms developed to predict the effect of missense changes on protein structure and function (SIFT, PolyPhen-2, Align-GVGD) all suggest that this variant is likely to be tolerated. This variant has not been reported in the literature in individuals affected with CCBE1-related conditions. This variant is not present in population databases (gnomAD no frequency). This sequence change replaces glutamic acid, which is acidic and polar, with glutamine, which is neutral and polar, at codon 40 of the CCBE1 protein (p.Glu40Gln).